The following is an entry in ClinVar:

ClinVar aggregate classification (germline): Pathogenic (1 of 4 stars; one submission).

Submission:

Labcorp Genetics (formerly Invitae), Labcorp
Classification: Pathogenic. Last evaluated: 2021-03-25. Review status: criteria provided, single submitter. Criteria: Invitae Variant Classification Sherloc (09022015). Collection method: clinical testing. Allele origin: germline.
Comment: This variant has not been reported in the literature in individuals with OTOGL-related conditions. For these reasons, this variant has been classified as Pathogenic. This variant is not present in population databases (ExAC no frequency). This sequence change creates a premature translational stop signal (p.Pro2227Leufs*5) in the OTOGL gene. It is expected to result in an absent or disrupted protein product. Loss-of-function variants in OTOGL are known to be pathogenic (PMID: 23122586).

Literature cited by the submitters: PubMed 23122586.

NM_001378609.3(OTOGL):c.6703_6706dup (p.Pro2236fs)

Gene: OTOGL (otogelin like; plus strand). Cytogenetic location: 12q21.31.
Variant type: Duplication.
Coding change: c.6703_6706dup on transcript NM_001378609.3 (MANE Select); coding-DNA positions 6703 to 6706, 4 bases duplicated (TGTC; older notation c.6703_6706dupTGTC).
Protein change: p.Pro2236fs; shifts the reading frame from proline 2236.
Molecular consequence: frameshift variant.
Genome position (GRCh38, 1-based): chr12:80,370,657-80,370,660, TGTC duplicated; duplicating any 4 consecutive bases within chr12:80,370,654-80,370,660 gives the same sequence; the c. name uses the placement nearest the transcript's 3' end. VCF-style (leftmost placement, unchanged base first): chr12-80370653-G-GGTCT. GRCh37 (hg19) VCF-style: chr12-80764433-G-GGTCT.
Other names: c.6568_6571dup, p.Pro2191fs (NM_001368062.3); c.6703_6706dup, p.Pro2236fs (NM_001378610.3, NM_173591.7); short protein forms P2191fs, P2236fs.
Identifiers: ClinVar variation 1457939 (VCV001457939.6), dbSNP rs2138093778, ClinGen allele CA2573149073.